The following continues an entry in ClinVar:

NC_012920.1(MT-ND4):m.11778G>A

Gene: MT-ND4. ClinVar aggregate classification (germline): Pathogenic. Pathogenic (1).

Submissions 11 to 25 of 25:

Wong Mito Lab, Molecular and Human Genetics, Baylor College of Medicine
Classification: Pathogenic for Leber optic atrophy. Last evaluated: 2019-10-17. Review status: criteria provided, single submitter. Criteria: Modified ACMG Guidelines (Unpublished). Collection method: clinical testing. Allele origin: germline. Not counted in ClinVar's aggregate classification.
Comment: The NC_012920.1:m.11778G>A (YP_003024035.1:p.Arg340His) variant in MTND4 gene is interpretated to be a Pathogenic variant based on the modified ACMG guidelines (unpublished). This variant meets the following evidence codes: PS1, PS4

Fulgent Genetics
Classification: Pathogenic for Leber optic atrophy. Last evaluated: 2018-10-31. Review status: criteria provided, single submitter. Criteria: ACMG Guidelines, 2015. Collection method: clinical testing. Allele origin: unknown. Not counted in ClinVar's aggregate classification.

ARUP Laboratories, Molecular Genetics and Genomics, ARUP Laboratories
Classification: Pathogenic. Last evaluated: 2017-05-12. Review status: criteria provided, single submitter. Criteria: ARUP Molecular Germline Variant Investigation Process. Collection method: clinical testing. Allele origin: germline. Not counted in ClinVar's aggregate classification.
Comment: m.11778G>A is one of a small number of primary variants which are causative of Leber hereditary optic neuropathy (LHON; MIM: 535000). It is estimated that 70% of LHON families of northern European descent carry the m.11778G>A variant (Mackey 1996).

Center for Pediatric Genomic Medicine, Children's Mercy Hospital and Clinics
Classification: Pathogenic. Last evaluated: 2014-11-04. Review status: criteria provided, single submitter. Criteria: ACMG Guidelines, 2015. Collection method: clinical testing. Allele origin: germline. Not counted in ClinVar's aggregate classification.

Hadassah Hebrew University Medical Center
Classification: Pathogenic for Leber optic atrophy. Review status: criteria provided, single submitter. Criteria: ACMG Guidelines, 2015. Collection method: research. Allele origin: maternal. Affected: no. Observed: 1 variant allele. Not counted in ClinVar's aggregate classification.

Kasturba Medical College, Manipal, Kasturba Medical College, Manipal, Manipal Academy of Higher Education, Manipal, India
Classification: Pathogenic for Leber optic atrophy. Review status: criteria provided, single submitter. Criteria: ACMG Guidelines, 2015. Collection method: clinical testing. Allele origin: maternal. Inheritance: Mitochondrial inheritance. Affected: yes. Not counted in ClinVar's aggregate classification.

Pediatric Department, Xiangya Hospital, Central South University
Classification: Pathogenic for Leber optic atrophy. Review status: criteria provided, single submitter. Criteria: ACMG Guidelines, 2015. Collection method: clinical testing. Allele origin: maternal. Affected: yes. Not counted in ClinVar's aggregate classification.

Victorian Clinical Genetics Services, Murdoch Childrens Research Institute
Classification: Pathogenic for Leber optic atrophy. Review status: criteria provided, single submitter. Criteria: ACMG Guidelines, 2015. Collection method: clinical testing. Allele origin: maternal. Affected: yes. Not counted in ClinVar's aggregate classification.
Comment: A heteroplasmic (76.20%) missense variant has been identified in MT-ND4. This gene encodes a protein subunit of complex I. The variant is predicted to result in a minor amino acid change from arginine to histidine at position 340 of the protein. The arginine at this position has high conservation (MITOMASTER). In silico predictions for this variant are consistently pathogenic (Polyphen, SIFT, HmtDB Disease Score). The variant is present in the MITOMAP population database at a frequency of 0.358%. The variant has been previously described as pathogenic in multiple individuals with Leber hereditary optic neuropathy (LHON) and is considered to be the most common MT-ND4 variant in European and Asian populations. Affected individuals generally have more than 70% heteroplasmy in blood, however the variant is also known to have reduced penetrance, with males more commonly affected than females (ClinVar, GeneReviews, OMIM, PMID: 31932089).

Institute of Human Genetics, Univ. Regensburg, Univ. Regensburg
Classification: Pathogenic for Optic atrophy. Last evaluated: 2023-01-01. Review status: no assertion criteria provided. Criteria: ACMG Guidelines, 2015. Collection method: clinical testing. Allele origin: germline. Affected: yes. Not counted in ClinVar's aggregate classification.

Institute of Human Genetics, Univ. Regensburg, Univ. Regensburg
Classification: Pathogenic for Retinal dystrophy. Last evaluated: 2023-01-01. Review status: no assertion criteria provided. Criteria: ACMG Guidelines, 2015. Collection method: clinical testing. Allele origin: germline. Affected: yes. Not counted in ClinVar's aggregate classification.

Clinical Genetics Laboratory, University Hospital Schleswig-Holstein
Classification: Pathogenic for Leber optic atrophy. Last evaluated: 2021-09-16. Review status: no assertion criteria provided. Collection method: clinical testing. Allele origin: germline. Affected: yes. Not counted in ClinVar's aggregate classification.

Equipe Genetique des Anomalies du Developpement, Université de Bourgogne
Classification: Pathogenic for Leber optic atrophy. Last evaluated: 2018-06-26. Review status: no assertion criteria provided. Collection method: research. Allele origin: maternal. Affected: yes. Observed: 1 variant allele. Not counted in ClinVar's aggregate classification.

OMIM
Classification: Pathogenic for LEBER OPTIC ATROPHY. Last evaluated: 2008-12-01. Review status: no assertion criteria provided. Collection method: literature only. Allele origin: germline. Not counted in ClinVar's aggregate classification.

GeneReviews
No classification provided. Condition: Leber optic atrophy. Review status: no classification provided. Collection method: literature only. Allele origin: maternal. Not counted in ClinVar's aggregate classification.
Comment: This variant is one of the three most common causes of LHON.

Genomics England Pilot Project, Genomics England
Classification: Pathogenic for Leber optic atrophy. Review status: no assertion criteria provided. Criteria: ACGS Guidelines, 2016. Collection method: clinical testing. Allele origin: germline. Affected: yes. Not counted in ClinVar's aggregate classification.

Literature cited by the submitters: PubMed 10976107 (cited by ClinGen Mitochondrial Disease Nuclear and Mitochondrial  Variant Curation Expert Panel, ClinGen and 3billion); PubMed 7763260 (cited by ClinGen Mitochondrial Disease Nuclear and Mitochondrial  Variant Curation Expert Panel, ClinGen and 3billion); PubMed 18848389 (cited by 3billion); PubMed 25917160 (cited by 3billion); PubMed 2566021 (cited by 3 submitters); PubMed 8902729 (cited by 3billion); PubMed 1635296 (cited by 3billion and Variantyx, Inc.); PubMed 17724295 (cited by 3billion); PubMed 17254817 (cited by 3billion and Variantyx, Inc.); PubMed 2390098 (cited by 3 submitters); PubMed 3201231 (cited by 3 submitters); PubMed 27119776 (cited by 3billion and Variantyx, Inc.); PubMed 2575667 (cited by 3 submitters); PubMed 18216301 (cited by 3billion); PubMed 1937476 (cited by Wong Mito Lab, Molecular and Human Genetics, Baylor College of Medicine and OMIM); PubMed 1959619 (cited by Wong Mito Lab, Molecular and Human Genetics, Baylor College of Medicine and OMIM); PubMed 2566116 (cited by OMIM); PubMed 8448903 (cited by OMIM); PubMed 1866007 (cited by OMIM); PubMed 8240101 (cited by OMIM); PubMed 8457609 (cited by OMIM); PubMed 2817063 (cited by OMIM); PubMed 1734726 (cited by OMIM); PubMed 2286378 (cited by OMIM); PubMed 1770665 (cited by OMIM); PubMed 1900003 (cited by OMIM); PubMed 1417830 (cited by OMIM); PubMed 1959931 (cited by OMIM); PubMed 1763894 (cited by OMIM); PubMed 2346190 (cited by OMIM); PubMed 8474822 (cited by OMIM); PubMed 8449667 (cited by OMIM); PubMed 2039048 (cited by OMIM); PubMed 2346203 (cited by OMIM); PubMed 8489411 (cited by OMIM); PubMed 8101084 (cited by OMIM); PubMed 1770533 (cited by OMIM); PubMed 8240102 (cited by OMIM); PubMed 1352537 (cited by OMIM); PubMed 8489402 (cited by OMIM); PubMed 1346348 (cited by OMIM); PubMed 9150158 (cited by OMIM); PubMed 11169561 (cited by OMIM); PubMed 11854175 (cited by OMIM); PubMed 12402249 (cited by OMIM); PubMed 12560876 (cited by OMIM); PubMed 16532388 (cited by OMIM); PubMed 16477364 (cited by OMIM); PubMed 16431939 (cited by OMIM); PubMed 18771762 (cited by OMIM); PubMed 19026397 (cited by OMIM); PubMed 30143805 (cited by GeneReviews); PubMed 20301353 (cited by GeneReviews).